The following is an entry in ClinVar:

NM_018117.12(WDR11):c.498T>G (p.Phe166Leu)

Gene: WDR11 (WD repeat domain 11; plus strand). Cytogenetic location: 10q26.12.
Variant type: single nucleotide variant.
Coding change: c.498T>G on transcript NM_018117.12 (MANE Select); coding-DNA position 498, T replaced by G.
Protein change: p.Phe166Leu; replaces phenylalanine 166 with leucine.
Molecular consequence: missense variant.
Genome position (GRCh38, 1-based): chr10:120,860,254, T>G. VCF-style: chr10-120860254-T-G. GRCh37 (hg19) VCF-style: chr10-122619766-T-G.
Other names: short protein forms F166L.
Identifiers: ClinVar variation 2662106 (VCV002662106.1), dbSNP rs2493252474, ClinGen allele CA378319653.
Genomic context (GRCh38, chr10:120,860,254, plus strand): 5'-CGACACTGGCACCAAACTATGGAAGAAGAGCTATGCAGATAACATTCTTTCTTTTTCTTT[T>G]GACCCTTTTGATCCCTCACATTTAACTTGTGAGTAACAGTTGCTTGTGGAAAATGAGTTA-3'
Protein context (NP_060587.8, residues 156-176): SYADNILSFS[Phe166Leu]DPFDPSHLTL

ClinVar aggregate classification (germline): Uncertain significance (1 of 4 stars; one submission).

Submission:

GeneDx
Classification: Uncertain significance. Last evaluated: 2023-04-21. Review status: criteria provided, single submitter. Criteria: GeneDx Variant Classification Process June 2021. Collection method: clinical testing. Allele origin: germline. Affected: yes.
Comment: Not observed at significant frequency in large population cohorts (gnomAD); In silico analysis supports that this missense variant does not alter protein structure/function; Has not been previously published as pathogenic or benign to our knowledge